The following is an entry in ClinVar:

ClinVar aggregate classification (germline): Uncertain significance (1 of 4 stars; one submission).

Submission:

GeneDx
Classification: Uncertain significance. Last evaluated: 2025-05-08. Review status: criteria provided, single submitter. Criteria: GeneDx Variant Classification Process June 2021. Collection method: clinical testing. Allele origin: germline. Affected: yes.
Comment: Not observed at significant frequency in large population cohorts (gnomAD); In silico analysis supports that this missense variant has a deleterious effect on protein structure/function; Has not been previously published as pathogenic or benign to our knowledge

NM_000701.8(ATP1A1):c.1454C>T (p.Thr485Ile)

Genes: ATP1A1 (ATPase Na+/K+ transporting subunit alpha 1; plus strand), ATP1A1-AS1 (ATP1A1 antisense RNA 1; minus strand). Cytogenetic location: 1p13.1.
Variant type: single nucleotide variant.
Coding change: c.1454C>T on transcript NM_000701.8 (MANE Select); coding-DNA position 1454, C replaced by T.
Protein change: p.Thr485Ile; replaces threonine 485 with isoleucine.
Molecular consequence: missense variant. On other transcripts: non-coding transcript variant (1).
Genome position (GRCh38, 1-based): chr1:116,392,975, C>T. VCF-style: chr1-116392975-C-T. GRCh37 (hg19) VCF-style: chr1-116935597-C-T.
Other names: c.1454C>T, p.Thr485Ile (NM_001160233.2); c.1361C>T, p.Thr454Ile (NM_001160234.2); short protein forms T454I, T485I.
Identifiers: ClinVar variation 4527932 (VCV004527932.1).
Genomic context (GRCh38, chr1:116,392,975, plus strand): 5'-GTTCCGTGAAGGAGATGAGAGAAAGATACGCCAAAATCGTCGAGATACCCTTCAACTCCA[C>T]CAACAAGTACCAGGTCTGAAGATCGATGGGTACACGGAGGGCGAGGGCAAGCTGGGGGAC-3'
Protein context (NP_000692.2, residues 475-495): AKIVEIPFNS[Thr485Ile]NKYQLSIHKN